The following is an entry in ClinVar:

ClinVar aggregate classification (germline): Benign. Review status: criteria provided, multiple submitters, no conflicts (2 of 4 stars). 6 submissions from 6 submitters: Benign (5). 1 of the submissions does not count toward it. Last evaluated 2026-02-03.

Conditions:
Intellectual developmental disorder, autosomal recessive 5. Also called: Intellectual disability, autosomal recessive 5. Identifiers: Orphanet 88616, MedGen C1970199, MONDO:0012613, OMIM 611091.

Allele frequency attached by ClinVar (database versions not stated): 1000 Genomes Project 0.27676; 1000 Genomes Project 30x 0.28342; gnomAD exomes 0.32607 and 0.35786; ExAC 0.33252; gnomAD 0.33475 and 0.34106; TOPMed 0.34104; ESP Exome Variant Server 0.34830.
gnomAD v4.1: 573,089 of 1,611,868 alleles (36%); highest among the groups gnomAD compares: Non-Finnish European, 38%; 105,131 homozygotes.

Submissions (6):

Labcorp Genetics (formerly Invitae), Labcorp
Classification: Benign. Last evaluated: 2026-02-03. Review status: criteria provided, single submitter. Criteria: Invitae Variant Classification Sherloc (09022015). Collection method: clinical testing. Allele origin: germline.

Blueprint Genetics
Classification: Benign. Last evaluated: 2024-11-26. Review status: criteria provided, single submitter. Criteria: ACMG Guidelines, 2015. Collection method: clinical testing. Allele origin: germline.

GeneDx
Classification: Benign. Last evaluated: 2018-10-01. Review status: criteria provided, single submitter. Criteria: GeneDx Variant Classification Process June 2021. Collection method: clinical testing. Allele origin: germline. Affected: yes.

Illumina Laboratory Services, Illumina
Classification: Benign for Intellectual developmental disorder, autosomal recessive 5. Last evaluated: 2018-01-13. Review status: criteria provided, single submitter. Criteria: ICSL Variant Classification Criteria 13 December 2019. Collection method: clinical testing. Allele origin: germline.
Comment: This variant was observed in the ICSL laboratory as part of a predisposition screen in an ostensibly healthy population. It had not been previously curated by ICSL or reported in the Human Gene Mutation Database (HGMD: prior to June 1st, 2018), and was therefore a candidate for classification through an automated scoring system. Utilizing variant allele frequency, disease prevalence and penetrance estimates, and inheritance mode, an automated score was calculated to assess if this variant is too frequent to cause the disease. Based on the score and internal cut-off values, a variant classified as benign is not then subjected to further curation. The score for this variant resulted in a classification of benign for this disease.

Breakthrough Genomics
Classification: Benign. Review status: criteria provided, single submitter. Criteria: ACMG Guidelines, 2015. Collection method: not provided. Allele origin: germline. Inheritance: Autosomal recessive inheritance. Affected: yes.

Genetic Services Laboratory, University of Chicago
Classification: Likely benign for AllHighlyPenetrant. Review status: no assertion criteria provided. Collection method: clinical testing. Allele origin: germline. Inheritance: Autosomal recessive inheritance. Not counted in ClinVar's aggregate classification.
Comment: Likely benign based on allele frequency in 1000 Genomes Project or ESP global frequency and its presence in a patient with a rare or unrelated disease phenotype. NOT Sanger confirmed.

NM_017755.6(NSUN2):c.97-6C>T

Gene: NSUN2 (NOP2/Sun RNA methyltransferase 2; minus strand). Cytogenetic location: 5p15.31.
Variant type: single nucleotide variant.
Coding change: c.97-6C>T on transcript NM_017755.6 (MANE Select); 6 bases into the intron before coding-DNA position 97, C replaced by T.
Molecular consequence: intron variant.
Genome position (GRCh38, 1-based): chr5:6,632,762, G>A on the plus strand (C>T on the coding strand, the complement: NSUN2 is on the minus strand). VCF-style: chr5-6632762-G-A. GRCh37 (hg19) VCF-style: chr5-6632875-G-A.
Other names: c.97-6C>T (NM_001193455.2).
Identifiers: ClinVar variation 129845 (VCV000129845.20), dbSNP rs10076470, ClinGen allele CA154175.
Genomic context (GRCh38, chr5:6,632,762, plus strand): 5'-AGTGCTCGAACAGCTTGTTCTCCTTGACGATCTCGGGGTAGCCTCCTTCCCAGCCCTGAG[G>A]AAGGAAAGAGACGTCTACCCCGAGGCCCAAGGAGCCGCCCCCTCGCCGCCGCCTCGCAGG-3'